The following is an entry in ClinVar:

ClinVar aggregate classification (germline): Uncertain significance (1 of 4 stars; one submission).

gnomAD v4.1: 1 of 1,612,716 alleles (0.000062%); highest among the groups gnomAD compares: Non-Finnish European, 0.000085%; no homozygotes.

Submission:

Labcorp Genetics (formerly Invitae), Labcorp
Classification: Uncertain significance. Last evaluated: 2025-02-03. Review status: criteria provided, single submitter. Criteria: Invitae Variant Classification Sherloc (09022015). Collection method: clinical testing. Allele origin: germline.
Comment: This sequence change replaces serine, which is neutral and polar, with tryptophan, which is neutral and slightly polar, at codon 2 of the NTRK2 protein (p.Ser2Trp). This variant is not present in population databases (gnomAD no frequency). This variant has not been reported in the literature in individuals affected with NTRK2-related conditions. ClinVar contains an entry for this variant (Variation ID: 1992594). An algorithm developed to predict the effect of missense changes on protein structure and function (PolyPhen-2) suggests that this variant is likely to be disruptive. In summary, the available evidence is currently insufficient to determine the role of this variant in disease. Therefore, it has been classified as a Variant of Uncertain Significance.

NM_006180.6(NTRK2):c.5C>G (p.Ser2Trp)

Gene: NTRK2 (neurotrophic receptor tyrosine kinase 2; plus strand). Cytogenetic location: 9q21.33.
Variant type: single nucleotide variant.
Coding change: c.5C>G on transcript NM_006180.6 (MANE Select); coding-DNA position 5, C replaced by G.
Protein change: p.Ser2Trp; replaces serine 2 with tryptophan.
Molecular consequence: missense variant.
Genome position (GRCh38, 1-based): chr9:84,670,753, C>G. VCF-style: chr9-84670753-C-G. GRCh37 (hg19) VCF-style: chr9-87285668-C-G.
Other names: c.5C>G, p.Ser2Trp (NM_001007097.3, NM_001018064.3, NM_001018065.2 and 19 more transcripts); short protein forms S2W.
Identifiers: ClinVar variation 1992594 (VCV001992594.4), dbSNP rs1181805012, ClinGen allele CA374004526.